The following is an entry in ClinVar:

NM_004304.5(ALK):c.4369A>G (p.Thr1457Ala)

Gene: ALK (ALK receptor tyrosine kinase; minus strand). Cytogenetic location: 2p23.2.
Variant type: single nucleotide variant.
Coding change: c.4369A>G on transcript NM_004304.5 (MANE Select); coding-DNA position 4369, A replaced by G.
Protein change: p.Thr1457Ala; replaces threonine 1457 with alanine.
Molecular consequence: missense variant.
Genome position (GRCh38, 1-based): chr2:29,193,718, T>C on the plus strand (A>G on the coding strand, the complement: ALK is on the minus strand). VCF-style: chr2-29193718-T-C. GRCh37 (hg19) VCF-style: chr2-29416584-T-C.
Other names: c.1165A>G, p.Thr389Ala (NM_001353765.2); short protein forms T1457A, T389A.
Identifiers: ClinVar variation 4869755 (VCV004869755.1).

ClinVar aggregate classification (germline): Uncertain significance (1 of 4 stars; one submission).

Conditions:
Hereditary cancer-predisposing syndrome. Also called: Neoplastic Syndromes, Hereditary; Tumor predisposition; Hereditary Cancer Syndrome; Hereditary neoplastic syndrome. Identifiers: Orphanet 140162, MedGen C0027672, MeSH D009386, MONDO:0015356.

Submission:

Ambry Genetics
Classification: Uncertain significance for Hereditary cancer-predisposing syndrome. Last evaluated: 2026-03-24. Review status: criteria provided, single submitter. Criteria: Ambry Variant Classification Scheme 2023. Collection method: clinical testing. Allele origin: germline.
Comment: The p.T1457A variant (also known as c.4369A>G), located in coding exon 29 of the ALK gene, results from an A to G substitution at nucleotide position 4369. The threonine at codon 1457 is replaced by alanine, an amino acid with similar properties. This amino acid position is conserved. In addition, this alteration is predicted to be tolerated by in silico analysis. Based on the available evidence, the clinical significance of this variant remains unclear.